The following is an entry in ClinVar:

ClinVar aggregate classification (germline): Likely benign. Review status: criteria provided, multiple submitters, no conflicts (2 of 4 stars). 3 submissions from 3 submitters: Likely benign (3). Last evaluated 2026-02-17.

Conditions:
EPS8L2-related disorder. Also called: EPS8L2-related condition.

Submissions (3):

PreventionGenetics, part of Exact Sciences
Classification: Likely benign for EPS8L2-related condition. Last evaluated: 2026-02-17. Review status: criteria provided, single submitter. Criteria: ACMG Guidelines, 2015. Collection method: clinical testing. Allele origin: germline.
Comment: This variant is classified as likely benign based on ACMG/AMP sequence variant interpretation guidelines (Richards et al. 2015 PMID: 25741868, with internal and published modifications).

Blueprint Genetics
Classification: Likely benign. Last evaluated: 2024-10-29. Review status: criteria provided, single submitter. Criteria: ACMG Guidelines, 2015. Collection method: clinical testing. Allele origin: germline.

Labcorp Genetics (formerly Invitae), Labcorp
Classification: Likely benign. Last evaluated: 2019-12-31. Review status: criteria provided, single submitter. Criteria: Invitae Variant Classification Sherloc (09022015). Collection method: clinical testing. Allele origin: germline.

NM_022772.4(EPS8L2):c.44+9T>C

Gene: EPS8L2 (EPS8 signaling adaptor L2; plus strand). Cytogenetic location: 11p15.5.
Variant type: single nucleotide variant.
Coding change: c.44+9T>C on transcript NM_022772.4 (MANE Select); 9 bases into the intron after coding-DNA position 44, T replaced by C.
Molecular consequence: intron variant.
Genome position (GRCh38, 1-based): chr11:709,460, T>C. VCF-style: chr11-709460-T-C. GRCh37 (hg19) VCF-style: chr11-709460-T-C.
Identifiers: ClinVar variation 726757 (VCV000726757.6), dbSNP rs1590045630, ClinGen allele CA915948729.